The following is an entry in ClinVar:

ClinVar aggregate classification (germline): Conflicting classifications of pathogenicity. Review status: criteria provided, conflicting classifications (1 of 4 stars). 6 submissions from 6 submitters: Uncertain significance (3); Likely benign (2). 1 of the submissions does not count toward it. Last evaluated 2025-11-19.

Conditions:
NLRP12-related disorder. Also called: NLRP12-related conditions; NLRP12-related condition.
Inborn genetic diseases. Identifiers: MedGen C0950123, MeSH D030342.
Familial cold autoinflammatory syndrome 2 (FCAS2). Identifiers: Orphanet 247868, MedGen C2673198, MONDO:0012724, OMIM 611762.

Allele frequency attached by ClinVar (database versions not stated): gnomAD 0.00009 and 0.00011; ExAC 0.00010; TOPMed 0.00012; gnomAD exomes 0.00014; ESP Exome Variant Server 0.00023.
gnomAD v4.1: 87 of 1,613,996 alleles (0.0054%); highest among the groups gnomAD compares: Admixed American, 0.0033%; 1 homozygote.

Submissions (6):

Women's Health and Genetics/Laboratory Corporation of America, LabCorp
Classification: Likely benign. Last evaluated: 2025-11-19. Review status: criteria provided, single submitter. Criteria: LabCorp Variant Classification Summary - May 2015. Collection method: clinical testing. Allele origin: germline.
Comment: Variant summary: NLRP12 c.3000G>C (p.Leu1000Phe) results in a non-conservative amino acid change in the encoded protein sequence. Algorithms developed to predict the effect of missense changes on protein structure and function are either unavailable or do not agree on the potential impact of this missense change. The variant allele was found at a frequency of 0.00014 in 251438 control chromosomes. The observed variant frequency exceeds the estimated maximal expected allele frequency for disease-causing variants in NLRP12. c.3000G>C has been observed in an individual affected with recurrent episodes of autoinflammatory disease manifestations, without strong evidence for causality (Demir_2023). This report does not provide unequivocal conclusions about association of the variant with Familial cold autoinflammatory syndrome 2. To our knowledge, no experimental evidence demonstrating an impact on protein function has been reported. The following publication has been ascertained in the context of this evaluation (PMID: 37877365). ClinVar contains an entry for this variant (Variation ID: 623960). Based on the evidence outlined above, the variant was classified as likely benign.

Labcorp Genetics (formerly Invitae), Labcorp
Classification: Likely benign for Familial cold autoinflammatory syndrome 2. Last evaluated: 2025-10-05. Review status: criteria provided, single submitter. Criteria: Invitae Variant Classification Sherloc (09022015). Collection method: clinical testing. Allele origin: germline.

Blueprint Genetics
Classification: Uncertain significance. Last evaluated: 2024-08-27. Review status: criteria provided, single submitter. Criteria: ACMG Guidelines, 2015. Collection method: clinical testing. Allele origin: germline.

Ambry Genetics
Classification: Uncertain significance for Inborn genetic diseases. Last evaluated: 2023-10-13. Review status: criteria provided, single submitter. Criteria: Ambry Variant Classification Scheme 2023. Collection method: clinical testing. Allele origin: germline.

CeGaT Center for Human Genetics Tuebingen
Classification: Uncertain significance. Last evaluated: 2018-04-01. Review status: criteria provided, single submitter. Criteria: CeGaT Center For Human Genetics Tuebingen Variant Classification Criteria Version 2. Collection method: clinical testing. Allele origin: germline. Affected: yes. Observed: 1 variant allele.

PreventionGenetics, part of Exact Sciences
Classification: Likely benign for NLRP12-related condition. Last evaluated: 2023-10-26. Review status: no assertion criteria provided. Collection method: clinical testing. Allele origin: germline. Not counted in ClinVar's aggregate classification.
Comment: This variant is classified as likely benign based on ACMG/AMP sequence variant interpretation guidelines (Richards et al. 2015 PMID: 25741868, with internal and published modifications).

Literature cited by the submitters: PubMed 37877365 (cited by Women's Health and Genetics/Laboratory Corporation of America, LabCorp).

NM_144687.4(NLRP12):c.3000G>C (p.Leu1000Phe)

Gene: NLRP12 (NLR family pyrin domain containing 12; minus strand). Cytogenetic location: 19q13.42.
Variant type: single nucleotide variant.
Coding change: c.3000G>C on transcript NM_144687.4 (MANE Select); coding-DNA position 3000, G replaced by C.
Protein change: p.Leu1000Phe; replaces leucine 1000 with phenylalanine.
Molecular consequence: missense variant.
Genome position (GRCh38, 1-based): chr19:53,795,957, C>G on the plus strand (G>C on the coding strand, the complement: NLRP12 is on the minus strand). VCF-style: chr19-53795957-C-G. GRCh37 (hg19) VCF-style: chr19-54299211-C-G.
Other names: c.3003G>C, p.Leu1001Phe (NM_001277126.2); c.2829G>C, p.Leu943Phe (NM_001277129.1); c.3000G>C (NM_144687.3, NM_144687.2); short protein forms L1000F, L1001F, L943F.
Identifiers: ClinVar variation 623960 (VCV000623960.53), dbSNP rs201437704, ClinGen allele CA9638805.